The following is an entry in ClinVar:

ClinVar aggregate classification (germline): Uncertain significance (1 of 4 stars; one submission).

Conditions:
Cardiovascular phenotype. Identifiers: MedGen CN230736.

Submission:

Ambry Genetics
Classification: Uncertain significance for Cardiovascular phenotype. Last evaluated: 2025-08-12. Review status: criteria provided, single submitter. Criteria: Ambry Variant Classification Scheme 2023. Collection method: clinical testing. Allele origin: germline.
Comment: The p.P3525S variant (also known as c.10573C>T), located in coding exon 2 of the ZNF469 gene, results from a C to T substitution at nucleotide position 10573. The proline at codon 3525 is replaced by serine, an amino acid with similar properties. This amino acid position is conserved. In addition, this alteration is predicted to be tolerated by in silico analysis. Based on the available evidence, the clinical significance of this variant remains unclear.

NM_001127464.1:c.10573C>T

Gene: ZNF469 (zinc finger protein 469; plus strand).
Variant type: single nucleotide variant.
Identifiers: ClinVar variation 4209215 (VCV004209215.1).